The following is an entry in ClinVar:

NM_000153.4(GALC):c.119G>C (p.Gly40Ala)

Gene: GALC (galactosylceramidase; minus strand). Cytogenetic location: 14q31.3.
Variant type: single nucleotide variant.
Coding change: c.119G>C on transcript NM_000153.4 (MANE Select); coding-DNA position 119, G replaced by C.
Protein change: p.Gly40Ala; replaces glycine 40 with alanine.
Molecular consequence: missense variant. On other transcripts: 5 prime UTR variant (3), non-coding transcript variant (1), intron variant (2).
Genome position (GRCh38, 1-based): chr14:87,993,046, C>G on the plus strand (G>C on the coding strand, the complement: GALC is on the minus strand). VCF-style: chr14-87993046-C-G. GRCh37 (hg19) VCF-style: chr14-88459390-C-G.
Other names: c.119G>C, p.Gly40Ala (NM_001201401.2); c.-152G>C (NM_001424072.1); c.-318G>C (NM_001424075.1); c.-549G>C (NM_001424077.1); c.-473+337G>C (NM_001424076.1); c.117+337G>C (NM_001201402.2); short protein forms G40A.
Identifiers: ClinVar variation 2721290 (VCV002721290.1), dbSNP rs572947747, ClinGen allele CA7297501.

ClinVar aggregate classification (germline): Uncertain significance (1 of 4 stars; one submission).

Conditions:
Galactosylceramide beta-galactosidase deficiency. Also called: Leukodystrophy, Globoid Cell; Krabbe Disease; GALACTOCEREBROSIDASE DEFICIENCY; GALC DEFICIENCY; GLOBOID CELL LEUKOENCEPHALOPATHY. Identifiers: Orphanet 487, MedGen C0023521, MONDO:0009499, OMIM 245200.

Allele frequency attached by ClinVar (database versions not stated): TOPMed 0.00003; gnomAD 0.00006; ExAC 0.00014; 1000 Genomes Project 0.00080; 1000 Genomes Project 30x 0.00109.
gnomAD v4.1: 16 of 1,557,578 alleles (0.001%); highest among the groups gnomAD compares: African/African-American, 0.018%; no homozygotes.

Submission:

Labcorp Genetics (formerly Invitae), Labcorp
Classification: Uncertain significance for Galactosylceramide beta-galactosidase deficiency. Last evaluated: 2024-01-19. Review status: criteria provided, single submitter. Criteria: Invitae Variant Classification Sherloc (09022015). Collection method: clinical testing. Allele origin: germline.
Comment: This sequence change replaces glycine, which is neutral and non-polar, with alanine, which is neutral and non-polar, at codon 40 of the GALC protein (p.Gly40Ala). This variant is present in population databases (rs572947747, gnomAD 0.06%). This variant has not been reported in the literature in individuals affected with GALC-related conditions. Advanced modeling of protein sequence and biophysical properties (such as structural, functional, and spatial information, amino acid conservation, physicochemical variation, residue mobility, and thermodynamic stability) performed at Invitae indicates that this missense variant is not expected to disrupt GALC protein function with a negative predictive value of 95%. In summary, the available evidence is currently insufficient to determine the role of this variant in disease. Therefore, it has been classified as a Variant of Uncertain Significance.